The following is an entry in ClinVar:

ClinVar aggregate classification (germline): Uncertain significance (1 of 4 stars; one submission).

Conditions:
Inborn genetic diseases. Identifiers: MedGen C0950123, MeSH D030342.

Allele frequency attached by ClinVar (database versions not stated): TOPMed below 0.00001; gnomAD exomes 0.00001; ExAC 0.00002; gnomAD 0.00002.
gnomAD v4.1: 14 of 1,613,834 alleles (0.00087%); highest among the groups gnomAD compares: African/African-American, 0.0027%; no homozygotes.

Submission:

Ambry Genetics
Classification: Uncertain significance for Inborn genetic diseases. Last evaluated: 2020-12-28. Review status: criteria provided, single submitter. Criteria: Ambry Variant Classification Scheme 2023. Collection method: clinical testing. Allele origin: germline.
Comment: The c.728C>T (p.P243L) alteration is located in exon 5 (coding exon 5) of the CHRNA4 gene. This alteration results from a C to T substitution at nucleotide position 728, causing the proline (P) at amino acid position 243 to be replaced by a leucine (L). The p.P243L alteration is predicted to be deleterious by in silico analysis. Based on insufficient or conflicting evidence, the clinical significance of this alteration remains unclear.

NM_000744.7(CHRNA4):c.728C>T (p.Pro243Leu)

Gene: CHRNA4 (cholinergic receptor nicotinic alpha 4 subunit; minus strand). Cytogenetic location: 20q13.33.
Variant type: single nucleotide variant.
Coding change: c.728C>T on transcript NM_000744.7 (MANE Select); coding-DNA position 728, C replaced by T.
Protein change: p.Pro243Leu; replaces proline 243 with leucine.
Molecular consequence: missense variant. On other transcripts: non-coding transcript variant (1).
Genome position (GRCh38, 1-based): chr20:63,350,683, G>A on the plus strand (C>T on the coding strand, the complement: CHRNA4 is on the minus strand). VCF-style: chr20-63350683-G-A. GRCh37 (hg19) VCF-style: chr20-61982035-G-A.
Other names: c.200C>T, p.Pro67Leu (NM_001256573.2); short protein forms P243L, P67L.
Identifiers: ClinVar variation 2211475 (VCV002211475.2), dbSNP rs755825569, ClinGen allele CA9957742.